The following is an entry in ClinVar:

NM_001231.5(CASQ1):c.27C>A (p.Pro9=)

Gene: CASQ1 (calsequestrin 1; plus strand). Cytogenetic location: 1q23.2.
Variant type: single nucleotide variant.
Coding change: c.27C>A on transcript NM_001231.5 (MANE Select); coding-DNA position 27, C replaced by A.
Protein change: p.Pro9=; no amino-acid change (proline 9 retained).
Molecular consequence: synonymous variant.
Genome position (GRCh38, 1-based): chr1:160,190,778, C>A. VCF-style: chr1-160190778-C-A. GRCh37 (hg19) VCF-style: chr1-160160568-C-A.
Other names: p.Pro9=.
Identifiers: ClinVar variation 716832 (VCV000716832.14), dbSNP rs76394704, ClinGen allele CA1196054.
Genomic context (GRCh38, chr1:160,190,778, plus strand): 5'-GACCAGGAGAGCCAACCCAGATCCCACTACCTCCATGAGTGCTACAGACAGGATGGGGCC[C>A]AGAGCTGTGCCGGGTCTGCGGCTGGCACTGCTGTTGCTGCTGGTGCTAGGGACACCCAAG-3'
Protein context (NP_001222.3, residues 1-19): MSATDRMG[Pro9=]RAVPGLRLAL

ClinVar aggregate classification (germline): Benign/Likely benign. Review status: criteria provided, multiple submitters, no conflicts (2 of 4 stars). 4 submissions from 4 submitters: Benign (3); Likely benign (1). Last evaluated 2026-02-01.

Conditions:
Inborn genetic diseases. Identifiers: MedGen C0950123, MeSH D030342.

Allele frequency attached by ClinVar (database versions not stated): gnomAD exomes 0.00221; ExAC 0.00264; gnomAD 0.00765 and 0.00813; ESP Exome Variant Server 0.00807; 1000 Genomes Project 0.00839; TOPMed 0.00857; 1000 Genomes Project 30x 0.00874.

Submissions (4):

Labcorp Genetics (formerly Invitae), Labcorp
Classification: Benign. Last evaluated: 2026-02-01. Review status: criteria provided, single submitter. Criteria: Invitae Variant Classification Sherloc (09022015). Collection method: clinical testing. Allele origin: germline.

Mayo Clinic Laboratories, Mayo Clinic
Classification: Benign. Last evaluated: 2023-07-28. Review status: criteria provided, single submitter. Criteria: ACMG Guidelines, 2015. Collection method: clinical testing. Allele origin: germline. Observed: 9 variant alleles.
Comment: BS1, BS2, BP4, BP7

Ambry Genetics
Classification: Likely benign for Inborn genetic diseases. Last evaluated: 2022-02-14. Review status: criteria provided, single submitter. Criteria: Ambry Variant Classification Scheme 2023. Collection method: clinical testing. Allele origin: germline.

Breakthrough Genomics
Classification: Benign. Review status: criteria provided, single submitter. Criteria: ACMG Guidelines, 2015. Collection method: not provided. Allele origin: germline. Inheritance: Autosomal dominant inheritance. Affected: yes.